The following is an entry in ClinVar:

ClinVar aggregate classification (germline): Pathogenic. Review status: criteria provided, multiple submitters, no conflicts (2 of 4 stars). 2 submissions from 2 submitters: Pathogenic (2). Last evaluated 2025-07-02.

Conditions:
CEP290-related ciliopathy. Also called: CEP290 ciliopathy. Identifiers: MedGen CN305601, MONDO:0100451.
Meckel-Gruber syndrome. Also called: DYSENCEPHALIA SPLANCHNOCYSTICA; GRUBER SYNDROME; Dysencephalia splachnocystica. Identifiers: Orphanet 564, MedGen C0265215, MONDO:0018921.
Joubert syndrome. Also called: JOUBERT-BOLTSHAUSER SYNDROME; Familial aplasia of the vermis. Identifiers: Orphanet 475, MedGen C5979921, MONDO:0018772.
Nephronophthisis. Also called: Juvenile Nephronophthisis. Identifiers: Orphanet 655, MedGen C0687120, MONDO:0019005, HP:0000090.

Submissions (2):

Myriad Genetics, Inc.
Classification: Pathogenic for CEP290-related ciliopathy. Last evaluated: 2025-07-02. Review status: criteria provided, single submitter. Criteria: Myriad Autosomal Dominant, Autosomal Recessive and X-Linked Classification Criteria (2023). Collection method: clinical testing. Allele origin: unknown.
Comment: NM_025114.3(CEP290):c.6916A>T(R2306*) is expected to be pathogenic in the context of CEP290-related disorders. This variant is predicted to lead to an abnormal or absent protein product due to the creation of a premature termination codon in CEP290, a gene where loss-of-function variants are known to be pathogenic. Please note: this variant was assessed in the context of healthy population screening.

Labcorp Genetics (formerly Invitae), Labcorp
Classification: Pathogenic for Joubert syndrome; Meckel-Gruber syndrome; Nephronophthisis. Last evaluated: 2023-05-20. Review status: criteria provided, single submitter. Criteria: Invitae Variant Classification Sherloc (09022015). Collection method: clinical testing. Allele origin: germline.
Comment: This premature translational stop signal has been observed in individual(s) with clinical features of CEP290-related conditions (PMID: 29053603). This variant is not present in population databases (gnomAD no frequency). This sequence change creates a premature translational stop signal (p.Arg2306*) in the CEP290 gene. It is expected to result in an absent or disrupted protein product. Loss-of-function variants in CEP290 are known to be pathogenic (PMID: 16909394, 17345604, 20690115). For these reasons, this variant has been classified as Pathogenic.

Literature cited by the submitters: PubMed 29053603 (cited by Labcorp Genetics (formerly Invitae), Labcorp); PubMed 16909394 (cited by Labcorp Genetics (formerly Invitae), Labcorp); PubMed 17345604 (cited by Labcorp Genetics (formerly Invitae), Labcorp); PubMed 20690115 (cited by Labcorp Genetics (formerly Invitae), Labcorp).

NM_025114.4(CEP290):c.6916A>T (p.Arg2306Ter)

Gene: CEP290 (centrosomal protein 290; minus strand). Cytogenetic location: 12q21.32.
Variant type: single nucleotide variant.
Coding change: c.6916A>T on transcript NM_025114.4 (MANE Select); coding-DNA position 6916, A replaced by T.
Protein change: p.Arg2306Ter; replaces arginine 2306 with a stop codon.
Molecular consequence: nonsense.
Genome position (GRCh38, 1-based): chr12:88,055,620, T>A on the plus strand (A>T on the coding strand, the complement: CEP290 is on the minus strand). VCF-style: chr12-88055620-T-A. GRCh37 (hg19) VCF-style: chr12-88449397-T-A.
Other names: short protein forms R2306*.
Identifiers: ClinVar variation 2925497 (VCV002925497.4), dbSNP rs2499470143, ClinGen allele CA385976221.